The following is an entry in ClinVar:

ClinVar aggregate classification (germline): Uncertain significance (1 of 4 stars; one submission).

Conditions:
Colorectal cancer, hereditary nonpolyposis, type 7. Identifiers: Orphanet 144, MedGen C1858380, MONDO:0013725, OMIM 614385.

Allele frequency attached by ClinVar (database versions not stated): gnomAD exomes below 0.00001 and 0.00001; ExAC 0.00001.
gnomAD v4.1: 3 of 1,614,132 alleles (0.00019%); highest among the groups gnomAD compares: Middle Eastern, 0.016%; no homozygotes.

Submission:

Labcorp Genetics (formerly Invitae), Labcorp
Classification: Uncertain significance for Colorectal cancer, hereditary nonpolyposis, type 7. Last evaluated: 2020-08-25. Review status: criteria provided, single submitter. Criteria: Invitae Variant Classification Sherloc (09022015). Collection method: clinical testing. Allele origin: germline.
Comment: In summary, the available evidence is currently insufficient to determine the role of this variant in disease. Therefore, it has been classified as a Variant of Uncertain Significance. Algorithms developed to predict the effect of missense changes on protein structure and function (SIFT, PolyPhen-2, Align-GVGD) all suggest that this variant is likely to be tolerated, but these predictions have not been confirmed by published functional studies and their clinical significance is uncertain. This variant has not been reported in the literature in individuals with MLH3-related conditions. This variant is present in population databases (rs762868700, ExAC 0.006%). This sequence change replaces serine with leucine at codon 966 of the MLH3 protein (p.Ser966Leu). The serine residue is weakly conserved and there is a large physicochemical difference between serine and leucine.

NM_001040108.2(MLH3):c.2897C>T (p.Ser966Leu)

Gene: MLH3 (mutL homolog 3; minus strand). Cytogenetic location: 14q24.3.
Variant type: single nucleotide variant.
Coding change: c.2897C>T on transcript NM_001040108.2 (MANE Select); coding-DNA position 2897, C replaced by T.
Protein change: p.Ser966Leu; replaces serine 966 with leucine.
Molecular consequence: missense variant.
Genome position (GRCh38, 1-based): chr14:75,046,759, G>A on the plus strand (C>T on the coding strand, the complement: MLH3 is on the minus strand). VCF-style: chr14-75046759-G-A. GRCh37 (hg19) VCF-style: chr14-75513462-G-A.
Other names: c.2897C>T, p.Ser966Leu (NM_014381.3); short protein forms S966L.
Identifiers: ClinVar variation 1052899 (VCV001052899.9), dbSNP rs762868700, ClinGen allele CA7275624.